The following is an entry in ClinVar:

NM_022047.4(DEF6):c.1259A>G (p.Glu420Gly)

Gene: DEF6 (DEF6 guanine nucleotide exchange factor; plus strand). Cytogenetic location: 6p21.31.
Variant type: single nucleotide variant.
Coding change: c.1259A>G on transcript NM_022047.4 (MANE Select); coding-DNA position 1259, A replaced by G.
Protein change: p.Glu420Gly; replaces glutamic acid 420 with glycine.
Molecular consequence: missense variant.
Genome position (GRCh38, 1-based): chr6:35,319,567, A>G. VCF-style: chr6-35319567-A-G. GRCh37 (hg19) VCF-style: chr6-35287344-A-G.
Other names: short protein forms E420G.
Identifiers: ClinVar variation 1461619 (VCV001461619.8), dbSNP rs2150389211, ClinGen allele CA363767797.

ClinVar aggregate classification (germline): Uncertain significance (1 of 4 stars; one submission).

Submission:

Labcorp Genetics (formerly Invitae), Labcorp
Classification: Uncertain significance. Last evaluated: 2022-07-11. Review status: criteria provided, single submitter. Criteria: Invitae Variant Classification Sherloc (09022015). Collection method: clinical testing. Allele origin: germline.
Comment: This sequence change replaces glutamic acid, which is acidic and polar, with glycine, which is neutral and non-polar, at codon 420 of the DEF6 protein (p.Glu420Gly). This variant is not present in population databases (gnomAD no frequency). This variant has not been reported in the literature in individuals affected with DEF6-related conditions. ClinVar contains an entry for this variant (Variation ID: 1461619). Algorithms developed to predict the effect of missense changes on protein structure and function are either unavailable or do not agree on the potential impact of this missense change (SIFT: "Deleterious"; PolyPhen-2: "Possibly Damaging"; Align-GVGD: "Class C0"). In summary, the available evidence is currently insufficient to determine the role of this variant in disease. Therefore, it has been classified as a Variant of Uncertain Significance.